The following is an entry in ClinVar:

ClinVar aggregate classification (germline): Uncertain significance (1 of 4 stars; one submission).

gnomAD v4.1: 5 of 1,613,492 alleles (0.00031%); highest among the groups gnomAD compares: South Asian, 0.0044%; no homozygotes.

Submission:

Labcorp Genetics (formerly Invitae), Labcorp
Classification: Uncertain significance. Last evaluated: 2025-11-19. Review status: criteria provided, single submitter. Criteria: Invitae Variant Classification Sherloc (09022015). Collection method: clinical testing. Allele origin: germline.
Comment: This sequence change replaces lysine, which is basic and polar, with glutamic acid, which is acidic and polar, at codon 1016 of the ITGAM protein (p.Lys1016Glu). This variant is not present in population databases (gnomAD no frequency). This variant has not been reported in the literature in individuals affected with ITGAM-related conditions. ClinVar contains an entry for this variant (Variation ID: 3693629). An algorithm developed to predict the effect of missense changes on protein structure and function (PolyPhen-2) suggests that this variant is likely to be disruptive. In summary, the available evidence is currently insufficient to determine the role of this variant in disease. Therefore, it has been classified as a Variant of Uncertain Significance.

NM_000632.4(ITGAM):c.3046A>G (p.Lys1016Glu)

Gene: ITGAM (integrin subunit alpha M; plus strand). Cytogenetic location: 16p11.2.
Variant type: single nucleotide variant.
Coding change: c.3046A>G on transcript NM_000632.4 (MANE Select); coding-DNA position 3046, A replaced by G.
Protein change: p.Lys1016Glu; replaces lysine 1016 with glutamic acid.
Molecular consequence: missense variant.
Genome position (GRCh38, 1-based): chr16:31,330,150, A>G. VCF-style: chr16-31330150-A-G. GRCh37 (hg19) VCF-style: chr16-31341471-A-G.
Other names: c.3049A>G, p.Lys1017Glu (NM_001145808.2); short protein forms K1017E, K1016E.
Identifiers: ClinVar variation 3693629 (VCV003693629.2).